The following is an entry in ClinVar:

ClinVar aggregate classification (germline): Uncertain significance (1 of 4 stars; one submission).

Submission:

GeneDx
Classification: Uncertain significance. Last evaluated: 2026-10-08. Review status: criteria provided, single submitter. Criteria: GeneDx Variant Classification Process June 2021. Collection method: clinical testing. Allele origin: germline.
Comment: Not observed at significant frequency in large population cohorts (gnomAD); In silico analysis supports that this missense variant has a deleterious effect on protein structure/function; Has not been previously published as pathogenic or benign to our knowledge

NM_001377.3(DYNC2H1):c.6683A>G (p.Asp2228Gly)

Gene: DYNC2H1 (dynein cytoplasmic 2 heavy chain 1; plus strand). Cytogenetic location: 11q22.3.
Variant type: single nucleotide variant.
Coding change: c.6683A>G on transcript NM_001377.3 (MANE Select); coding-DNA position 6683, A replaced by G.
Protein change: p.Asp2228Gly; replaces aspartic acid 2228 with glycine.
Molecular consequence: missense variant.
Genome position (GRCh38, 1-based): chr11:103,186,291, A>G. VCF-style: chr11-103186291-A-G. GRCh37 (hg19) VCF-style: chr11-103057020-A-G.
Other names: c.6683A>G, p.Asp2228Gly (NM_001080463.2); short protein forms D2228G.
Identifiers: ClinVar variation 3365820 (VCV003365820.2).
Genomic context (GRCh38, chr11:103,186,291, plus strand): 5'-TTCCTCTTAAGGTTTTTCATTGGGCACGAGAATCTCCTCCAGACTTTCACAAACCTATGG[A>G]TACCTACTATGACTCTACTAGGGGTCGATTAGCAACATATGTGCTTAAGAAGCCAGAAGA-3'
Protein context (NP_001368.2, residues 2218-2238): ESPPDFHKPM[Asp2228Gly]TYYDSTRGRL